The following is an entry in ClinVar:

ClinVar aggregate classification (germline): Likely benign. Review status: criteria provided, multiple submitters, no conflicts (2 of 4 stars). 6 submissions from 6 submitters: Likely benign (5). 1 of the submissions does not count toward it. Last evaluated 2026-01-20.

Conditions:
POLE-related disorder. Also called: POLE-related disorders; POLE-related condition.
Hereditary cancer-predisposing syndrome. Also called: Tumor predisposition; Neoplastic Syndromes, Hereditary; Hereditary Cancer Syndrome; Hereditary neoplastic syndrome. Identifiers: Orphanet 140162, MedGen C0027672, MeSH D009386, MONDO:0015356.

Allele frequency attached by ClinVar (database versions not stated): ExAC 0.00005; gnomAD exomes 0.00005 and 0.00008; gnomAD 0.00007 and 0.00008; TOPMed 0.00007.
gnomAD v4.1: 128 of 1,613,948 alleles (0.0079%); highest among the groups gnomAD compares: Non-Finnish European, 0.01%; no homozygotes.

Submissions (6):

Labcorp Genetics (formerly Invitae), Labcorp
Classification: Likely benign. Last evaluated: 2026-01-20. Review status: criteria provided, single submitter. Criteria: Invitae Variant Classification Sherloc (09022015). Collection method: clinical testing. Allele origin: germline.

Center for Genomic Medicine, Rigshospitalet, Copenhagen University Hospital
Classification: Likely benign. Last evaluated: 2025-03-04. Review status: criteria provided, single submitter. Criteria: ACMG Guidelines, 2015. Collection method: clinical testing. Allele origin: germline.

GeneDx
Classification: Likely benign. Last evaluated: 2020-08-09. Review status: criteria provided, single submitter. Criteria: GeneDx Variant Classification Process June 2021. Collection method: clinical testing. Allele origin: germline. Affected: yes.

Quest Diagnostics Nichols Institute San Juan Capistrano
Classification: Likely benign. Last evaluated: 2016-10-14. Review status: criteria provided, single submitter. Criteria: Quest Diagnostics criteria. Collection method: clinical testing. Allele origin: germline.

Ambry Genetics
Classification: Likely benign for Hereditary cancer-predisposing syndrome. Last evaluated: 2015-06-28. Review status: criteria provided, single submitter. Criteria: Ambry Variant Classification Scheme 2023. Collection method: clinical testing. Allele origin: germline.

PreventionGenetics, part of Exact Sciences
Classification: Likely benign for POLE-related condition. Last evaluated: 2024-09-17. Review status: no assertion criteria provided. Collection method: clinical testing. Allele origin: germline. Not counted in ClinVar's aggregate classification.
Comment: This variant is classified as likely benign based on ACMG/AMP sequence variant interpretation guidelines (Richards et al. 2015 PMID: 25741868, with internal and published modifications).

NM_006231.4(POLE):c.4101C>T (p.Tyr1367=)

Gene: POLE (DNA polymerase epsilon, catalytic subunit; minus strand). Cytogenetic location: 12q24.33.
Variant type: single nucleotide variant.
Coding change: c.4101C>T on transcript NM_006231.4 (MANE Select); coding-DNA position 4101, C replaced by T.
Protein change: p.Tyr1367=; no amino-acid change (tyrosine 1367 retained).
Molecular consequence: synonymous variant.
Genome position (GRCh38, 1-based): chr12:132,648,977, G>A on the plus strand (C>T on the coding strand, the complement: POLE is on the minus strand). VCF-style: chr12-132648977-G-A. GRCh37 (hg19) VCF-style: chr12-133225563-G-A.
Identifiers: ClinVar variation 240501 (VCV000240501.21), dbSNP rs780694561, ClinGen allele CA6893001.
Genomic context (GRCh38, chr12:132,648,977, plus strand): 5'-GCTCCTCCCTACCTTGCGATACGAAGCACCCTCCTCCGCTTTAGCGACTCGCTGGTTCAC[G>A]TAGAACACACGGGGGATGCTCAGCCTGATGCAGTGCAAGTCACTGCCAACGAGCGCCCAC-3'
Protein context (NP_006222.2, residues 1357-1377): CIRLSIPRVF[Tyr1367=]VNQRVAKAEE